The following is an entry in ClinVar:

ClinVar aggregate classification (germline): Pathogenic (1 of 4 stars; one submission).

Conditions:
Neurofibromatosis, type 1 (NF1). Also called: NEUROFIBROMATOSIS, TYPE I, SOMATIC; Peripheral type neurofibromatosis; VON RECKLINGHAUSEN DISEASE; Neurofibromatosis, type I. Identifiers: Orphanet 636, MedGen C0027831, MONDO:0018975, OMIM 162200. Disease mechanism: loss of function.

Submission:

Labcorp Genetics (formerly Invitae), Labcorp
Classification: Pathogenic for Neurofibromatosis, type 1. Last evaluated: 2022-11-18. Review status: criteria provided, single submitter. Criteria: Invitae Variant Classification Sherloc (09022015). Collection method: clinical testing. Allele origin: germline.
Comment: For these reasons, this variant has been classified as Pathogenic. This variant has not been reported in the literature in individuals affected with NF1-related conditions. This variant is not present in population databases (gnomAD no frequency). This sequence change creates a premature translational stop signal (p.Ile1975Tyrfs*16) in the NF1 gene. It is expected to result in an absent or disrupted protein product. Loss-of-function variants in NF1 are known to be pathogenic (PMID: 10712197, 23913538).

Literature cited by the submitters: PubMed 10712197; PubMed 23913538.

NM_001042492.3(NF1):c.5986del (p.Ile1996fs)

Gene: NF1 (neurofibromin 1; plus strand). Cytogenetic location: 17q11.2.
Variant type: Deletion.
Coding change: c.5986del on transcript NM_001042492.3 (MANE Select); coding-DNA position 5986, one base deleted (A; older notation c.5986delA).
Protein change: p.Ile1996fs; shifts the reading frame from isoleucine 1996.
Molecular consequence: frameshift variant.
Genome position (GRCh38, 1-based): chr17:31,335,011, A deleted; the last of 5 consecutive A bases (chr17:31,335,007-31,335,011); deleting any one gives the same sequence. VCF-style (leftmost placement, unchanged base first): chr17-31335006-CA-C. GRCh37 (hg19) VCF-style: chr17-29662024-CA-C.
Other names: c.5923delA, p.Ile1975Tyrfs (NM_000267.4); short protein forms I1996fs, I1975fs.
Identifiers: ClinVar variation 2815143 (VCV002815143.3), dbSNP rs2508737575, ClinGen allele CA2695225087.